The following is an entry in ClinVar:

NM_014915.3(ANKRD26):c.3452A>T (p.Asp1151Val)

Gene: ANKRD26 (ankyrin repeat domain 26; minus strand). Cytogenetic location: 10p12.1.
Variant type: single nucleotide variant.
Coding change: c.3452A>T on transcript NM_014915.3 (MANE Select); coding-DNA position 3452, A replaced by T.
Protein change: p.Asp1151Val; replaces aspartic acid 1151 with valine.
Molecular consequence: missense variant.
Genome position (GRCh38, 1-based): chr10:27,034,998, T>A on the plus strand (A>T on the coding strand, the complement: ANKRD26 is on the minus strand). VCF-style: chr10-27034998-T-A. GRCh37 (hg19) VCF-style: chr10-27323927-T-A.
Other names: c.3449A>T, p.Asp1150Val (NM_001256053.2); short protein forms D1150V, D1151V.
Identifiers: ClinVar variation 4845157 (VCV004845157.1).
Genomic context (GRCh38, chr10:27,034,998, plus strand): 5'-AACTGGTCTTGGATATTAATCACTGTCTTCTCTTTATTGTCAGCCTTGTTGTGGGCATCA[T>A]CCAGTTGTTGTCGAAGCAACATATTCTCACTTTGTAGTTGAGACAATCTCTCCTCTACAG-3'
Protein context (NP_055730.2, residues 1141-1161): SENMLLRQQL[Asp1151Val]DAHNKADNKE

ClinVar aggregate classification (germline): Uncertain significance (1 of 4 stars; one submission).

Conditions:
Inborn genetic diseases. Identifiers: MedGen C0950123, MeSH D030342.

Submission:

Ambry Genetics
Classification: Uncertain significance for Inborn genetic diseases. Last evaluated: 2026-02-21. Review status: criteria provided, single submitter. Criteria: Ambry Variant Classification Scheme 2023. Collection method: clinical testing. Allele origin: germline.
Comment: The p.D1151V variant (also known as c.3452A>T), located in coding exon 24 of the ANKRD26 gene, results from an A to T substitution at nucleotide position 3452. The aspartic acid at codon 1151 is replaced by valine, an amino acid with highly dissimilar properties. This amino acid position is conserved. In addition, this alteration is predicted to be tolerated by in silico analysis. Based on the available evidence, the clinical significance of this variant remains unclear.